The following is an entry in ClinVar:

NM_004082.5(DCTN1):c.2657A>G (p.Tyr886Cys)

Gene: DCTN1 (dynactin subunit 1; minus strand). Cytogenetic location: 2p13.1.
Variant type: single nucleotide variant.
Coding change: c.2657A>G on transcript NM_004082.5 (MANE Select); coding-DNA position 2657, A replaced by G.
Protein change: p.Tyr886Cys; replaces tyrosine 886 with cysteine.
Molecular consequence: missense variant. On other transcripts: non-coding transcript variant (1).
Genome position (GRCh38, 1-based): chr2:74,366,347, T>C on the plus strand (A>G on the coding strand, the complement: DCTN1 is on the minus strand). VCF-style: chr2-74366347-T-C. GRCh37 (hg19) VCF-style: chr2-74593474-T-C.
Other names: NC_000002.11:g.74593474T>C; c.2597A>G, p.Tyr866Cys (NM_001135040.3); c.2255A>G, p.Tyr752Cys (NM_001135041.3, NM_023019.4); c.2546A>G, p.Tyr849Cys (NM_001190836.2); c.2636A>G, p.Tyr879Cys (NM_001190837.2); c.2606A>G, p.Tyr869Cys (NM_001378991.1); c.2588A>G, p.Tyr863Cys (NM_001378992.1); short protein forms Y849C, Y869C, Y866C, Y886C, Y752C, Y863C, Y879C.
Identifiers: ClinVar variation 1794391 (VCV001794391.4), dbSNP rs370085138, ClinGen allele CA1721774.

ClinVar aggregate classification (germline): Uncertain significance. Review status: criteria provided, multiple submitters, no conflicts (2 of 4 stars). 2 submissions from 2 submitters: Uncertain significance (2). Last evaluated 2023-12-18.

Conditions:
DCTN1-related disorder. Also called: DCTN1-related condition.
Inborn genetic diseases. Identifiers: MedGen C0950123, MeSH D030342.

Allele frequency attached by ClinVar (database versions not stated): gnomAD 0.00001; gnomAD exomes 0.00001; ExAC 0.00002; TOPMed 0.00002.

Submissions (3):

Ambry Genetics
Classification: Uncertain significance for Inborn genetic diseases. Last evaluated: 2023-12-18. Review status: criteria provided, single submitter. Criteria: Ambry Variant Classification Scheme 2023. Collection method: clinical testing. Allele origin: germline.

PreventionGenetics, part of Exact Sciences
Classification: Uncertain significance for DCTN1-related condition. Last evaluated: 2022-12-21. Review status: criteria provided, single submitter. Criteria: ACMG Guidelines, 2015. Collection method: clinical testing. Allele origin: germline.
Comment: The DCTN1 c.2657A>G variant is predicted to result in the amino acid substitution p.Tyr886Cys. To our knowledge, this variant has not been reported in the literature. This variant is reported in 0.012% of alleles in individuals of African descent in gnomAD. At this time, the clinical significance of this variant is uncertain due to the absence of conclusive functional and genetic evidence.

Dr. Peter K. Rogan Lab, Western University
No classification provided (evidence only). Condition: Thyroid cancer, nonmedullary, 1. Review status: no classification provided. Collection method: in vitro. Allele origin: not applicable. Functional consequence: retained intron. Not counted in ClinVar's aggregate classification.